The following is an entry in ClinVar:

NM_001042492.3(NF1):c.2521A>C (p.Thr841Pro)

Gene: NF1 (neurofibromin 1; plus strand). Cytogenetic location: 17q11.2.
Variant type: single nucleotide variant.
Coding change: c.2521A>C on transcript NM_001042492.3 (MANE Select); coding-DNA position 2521, A replaced by C.
Protein change: p.Thr841Pro; replaces threonine 841 with proline.
Molecular consequence: missense variant.
Genome position (GRCh38, 1-based): chr17:31,229,136, A>C. VCF-style: chr17-31229136-A-C. GRCh37 (hg19) VCF-style: chr17-29556154-A-C.
Other names: c.2521A>C, p.Thr841Pro (NM_000267.4); short protein forms T841P.
Identifiers: ClinVar variation 694508 (VCV000694508.7), dbSNP rs2067066952, ClinGen allele CA398984174.
Genomic context (GRCh38, chr17:31,229,136, plus strand): 5'-AGTGGAGGAGGATCCATAGATTTGTCTGACACAGACTCCCTACAGGAATGGATCAACATG[A>C]CTGGCTTCCTTTGTGCCCTTGGGGGAGTGTGCCTCCAGCAGAGAAGCAATTCTGGCCTGG-3'
Protein context (NP_001035957.1, residues 831-851): TDSLQEWINM[Thr841Pro]GFLCALGGVC

ClinVar aggregate classification (germline): Pathogenic/Likely pathogenic. Review status: criteria provided, multiple submitters, no conflicts (2 of 4 stars). 3 submissions from 3 submitters: Pathogenic (1); Likely pathogenic (2). Last evaluated 2025-04-30.

Conditions:
Neurofibromatosis, type 1 (NF1). Also called: Peripheral type neurofibromatosis; Neurofibromatosis, type I; VON RECKLINGHAUSEN DISEASE; NEUROFIBROMATOSIS, TYPE I, SOMATIC. Identifiers: Orphanet 636, MedGen C0027831, MONDO:0018975, OMIM 162200. Disease mechanism: loss of function.
Cardiovascular phenotype. Identifiers: MedGen CN230736.
Hereditary cancer-predisposing syndrome. Also called: Neoplastic Syndromes, Hereditary; Tumor predisposition; Hereditary neoplastic syndrome; Hereditary Cancer Syndrome. Identifiers: Orphanet 140162, MedGen C0027672, MeSH D009386, MONDO:0015356.

Submissions (3):

Labcorp Genetics (formerly Invitae), Labcorp
Classification: Pathogenic for Neurofibromatosis, type 1. Last evaluated: 2025-04-30. Review status: criteria provided, single submitter. Criteria: Invitae Variant Classification Sherloc (09022015). Collection method: clinical testing. Allele origin: germline.
Comment: This sequence change replaces threonine, which is neutral and polar, with proline, which is neutral and non-polar, at codon 841 of the NF1 protein (p.Thr841Pro). This variant is not present in population databases (gnomAD no frequency). This missense change has been observed in individual(s) with clinical features of NF1-related conditions (PMID: 31717729). In at least one individual the variant was observed to be de novo. ClinVar contains an entry for this variant (Variation ID: 694508). Invitae Evidence Modeling of protein sequence and biophysical properties (such as structural, functional, and spatial information, amino acid conservation, physicochemical variation, residue mobility, and thermodynamic stability) indicates that this missense variant is expected to disrupt NF1 protein function with a positive predictive value of 95%. For these reasons, this variant has been classified as Pathogenic.

Ambry Genetics
Classification: Likely pathogenic for Cardiovascular phenotype; Hereditary cancer-predisposing syndrome. Last evaluated: 2022-12-12. Review status: criteria provided, single submitter. Criteria: Ambry Variant Classification Scheme 2023. Collection method: clinical testing. Allele origin: germline.
Comment: The p.T841P variant (also known as c.2521A>C), located in coding exon 21 of the NF1 gene, results from an A to C substitution at nucleotide position 2521. The threonine at codon 841 is replaced by proline, an amino acid with highly similar properties. This alteration has been reported as a de novo variant in two pediatric patients affected with neurofibromatosis type 1 (NF1) (Yao R et al. Genes (Basel), 2019 Oct;10:; N Abdel-Aziz N et al. Mol Genet Genomic Med, 2021 Dec;9:e1631). This amino acid position is highly conserved in available vertebrate species. In addition, this alteration is predicted to be deleterious by in silico analysis. Based on the majority of available evidence to date, this variant is likely to be pathogenic.

Medical Molecular Genetics Department, National Research Center
Classification: Likely pathogenic for Neurofibromatosis, type 1. Review status: criteria provided, single submitter. Criteria: ACMG Guidelines, 2015. Collection method: clinical testing. Allele origin: de novo. Affected: yes. Observed: 1 variant allele.

Literature cited by the submitters: PubMed 31717729 (cited by Labcorp Genetics (formerly Invitae), Labcorp).